The following is an entry in ClinVar:

NM_033310.3(KCNK4):c.499G>C (p.Val167Leu)

Genes: KCNK4 (potassium two pore domain channel subfamily K member 4; plus strand), KCNK4-CATSPERZ (KCNK4-CATSPERZ readthrough (NMD candidate); plus strand). Cytogenetic location: 11q13.1.
Variant type: single nucleotide variant.
Coding change: c.499G>C on transcript NM_033310.3 (MANE Select); coding-DNA position 499, G replaced by C.
Protein change: p.Val167Leu; replaces valine 167 with leucine.
Molecular consequence: missense variant. On other transcripts: non-coding transcript variant (1).
Genome position (GRCh38, 1-based): chr11:64,297,491, G>C. VCF-style: chr11-64297491-G-C. GRCh37 (hg19) VCF-style: chr11-64064963-G-C.
Other names: c.499G>C, p.Val167Leu (NM_001317090.2); short protein forms V167L.
Identifiers: ClinVar variation 3532583 (VCV003532583.3).

ClinVar aggregate classification (germline): Uncertain significance. Review status: criteria provided, multiple submitters, no conflicts (2 of 4 stars). 2 submissions from 2 submitters: Uncertain significance (2). Last evaluated 2024-11-16.

gnomAD v4.1: 5 of 1,614,174 alleles (0.00031%); highest among the groups gnomAD compares: Non-Finnish European, 0.00034%; no homozygotes.

Submissions (2):

Labcorp Genetics (formerly Invitae), Labcorp
Classification: Uncertain significance. Last evaluated: 2024-11-16. Review status: criteria provided, single submitter. Criteria: Invitae Variant Classification Sherloc (09022015). Collection method: clinical testing. Allele origin: germline.
Comment: This sequence change replaces valine, which is neutral and non-polar, with leucine, which is neutral and non-polar, at codon 167 of the KCNK4 protein (p.Val167Leu). This variant is present in population databases (rs199761405, gnomAD 0.0009%). This variant has not been reported in the literature in individuals affected with KCNK4-related conditions. An algorithm developed to predict the effect of missense changes on protein structure and function (PolyPhen-2) suggests that this variant is likely to be tolerated. In summary, the available evidence is currently insufficient to determine the role of this variant in disease. Therefore, it has been classified as a Variant of Uncertain Significance.

Ambry Genetics
Classification: Uncertain significance. Last evaluated: 2024-09-30. Review status: criteria provided, single submitter. Criteria: Ambry Variant Classification Scheme 2023. Collection method: clinical testing. Allele origin: germline.